The following is an entry in ClinVar:

ClinVar aggregate classification (germline): Uncertain significance (1 of 4 stars; one submission).

gnomAD v4.1: 1 of 1,613,900 alleles (0.000062%); highest among the groups gnomAD compares: Non-Finnish European, 0.000085%; no homozygotes.

Submission:

Mayo Clinic Laboratories, Mayo Clinic
Classification: Uncertain significance. Last evaluated: 2024-07-15. Review status: criteria provided, single submitter. Criteria: ACMG Guidelines, 2015. Collection method: clinical testing. Allele origin: germline. Observed: 1 variant allele.
Comment: BP4

NM_001267550.2(TTN):c.13549G>A (p.Glu4517Lys)

Gene: TTN (titin; minus strand). Cytogenetic location: 2q31.2.
Variant type: single nucleotide variant.
Coding change: c.13549G>A on transcript NM_001267550.2 (MANE Select); coding-DNA position 13549, G replaced by A.
Protein change: p.Glu4517Lys; replaces glutamic acid 4517 with lysine.
Molecular consequence: missense variant. On other transcripts: intron variant (1).
Genome position (GRCh38, 1-based): chr2:178,739,684, C>T on the plus strand (G>A on the coding strand, the complement: TTN is on the minus strand). VCF-style: chr2-178739684-C-T. GRCh37 (hg19) VCF-style: chr2-179604411-C-T.
Other names: p.Glu4200Lys; c.12598G>A, p.Glu4200Lys (NM_001256850.1); c.12460G>A, p.Glu4154Lys (NM_003319.4); c.12835G>A, p.Glu4279Lys (NM_133432.3); c.13036G>A, p.Glu4346Lys (NM_133437.4); c.10361-1324G>A (NM_133378.4); short protein forms E4154K, E4200K, E4279K, E4346K, E4517K.
Identifiers: ClinVar variation 3379382 (VCV003379382.1).
Genomic context (GRCh38, chr2:178,739,684, plus strand): 5'-AACTGACCTCTTCAGTTGAGATCAGATATTTAGATTCAACTTCTGGTTCAGTAATGGGTT[C>T]AACCTTCTGTGAACCTGAAAAAGAATCCATTTCTTCTTGCAAACTTGTTTTGGCTCCTTG-3'
Protein context (NP_001254479.2, residues 4507-4527): MDSFSGSQKV[Glu4517Lys]PITEPEVESK